The following is an entry in ClinVar:

NM_001200.4(BMP2):c.418C>G (p.Pro140Ala)

Gene: BMP2 (bone morphogenetic protein 2; plus strand). Cytogenetic location: 20p12.3.
Variant type: single nucleotide variant.
Coding change: c.418C>G on transcript NM_001200.4 (MANE Select); coding-DNA position 418, C replaced by G.
Protein change: p.Pro140Ala; replaces proline 140 with alanine.
Molecular consequence: missense variant.
Genome position (GRCh38, 1-based): chr20:6,778,316, C>G. VCF-style: chr20-6778316-C-G. GRCh37 (hg19) VCF-style: chr20-6758963-C-G.
Other names: short protein forms P140A.
Identifiers: ClinVar variation 3702130 (VCV003702130.2).
Genomic context (GRCh38, chr20:6,778,316, plus strand): 5'-GAACTACCAGAAACGAGTGGGAAAACAACCCGGAGATTCTTCTTTAATTTAAGTTCTATC[C>G]CCACGGAGGAGTTTATCACCTCAGCAGAGCTTCAGGTTTTCCGAGAACAGATGCAAGATG-3'
Protein context (NP_001191.1, residues 130-150): RRFFFNLSSI[Pro140Ala]TEEFITSAEL

ClinVar aggregate classification (germline): Uncertain significance (1 of 4 stars; one submission).

Submission:

Labcorp Genetics (formerly Invitae), Labcorp
Classification: Uncertain significance. Last evaluated: 2024-09-26. Review status: criteria provided, single submitter. Criteria: Invitae Variant Classification Sherloc (09022015). Collection method: clinical testing. Allele origin: germline.
Comment: This sequence change replaces proline, which is neutral and non-polar, with alanine, which is neutral and non-polar, at codon 140 of the BMP2 protein (p.Pro140Ala). This variant is not present in population databases (gnomAD no frequency). This variant has not been reported in the literature in individuals affected with BMP2-related conditions. An algorithm developed to predict the effect of missense changes on protein structure and function (PolyPhen-2) suggests that this variant is likely to be disruptive. In summary, the available evidence is currently insufficient to determine the role of this variant in disease. Therefore, it has been classified as a Variant of Uncertain Significance.